The following is an entry in ClinVar:

NM_001253697.2(ERBIN):c.2492A>C (p.Gln831Pro)

Gene: ERBIN (erbb2 interacting protein; plus strand). Cytogenetic location: 5q12.3.
Variant type: single nucleotide variant.
Coding change: c.2492A>C on transcript NM_001253697.2 (MANE Select); coding-DNA position 2492, A replaced by C.
Protein change: p.Gln831Pro; replaces glutamine 831 with proline.
Molecular consequence: missense variant.
Genome position (GRCh38, 1-based): chr5:66,053,810, A>C. VCF-style: chr5-66053810-A-C. GRCh37 (hg19) VCF-style: chr5-65349638-A-C.
Other names: c.2492A>C, p.Gln831Pro (NM_001006600.3, NM_001253698.2, NM_001253699.2 and 1 more transcripts); c.2480A>C, p.Gln827Pro (NM_001253701.2); short protein forms Q827P, Q831P.
Identifiers: ClinVar variation 1392360 (VCV001392360.13), dbSNP rs143804809, ClinGen allele CA3286498.

ClinVar aggregate classification (germline): Conflicting classifications of pathogenicity. Review status: criteria provided, conflicting classifications (1 of 4 stars). 2 submissions from 2 submitters: Uncertain significance (1); Likely benign (1). Last evaluated 2026-01-22.

Allele frequency attached by ClinVar (database versions not stated): ESP Exome Variant Server 0.00023.
gnomAD v4.1: 292 of 1,613,876 alleles (0.018%); highest among the groups gnomAD compares: Non-Finnish European, 0.023%; no homozygotes.

Submissions (2):

Labcorp Genetics (formerly Invitae), Labcorp
Classification: Uncertain significance. Last evaluated: 2026-01-22. Review status: criteria provided, single submitter. Criteria: Invitae Variant Classification Sherloc (09022015). Collection method: clinical testing. Allele origin: germline.
Comment: This sequence change replaces glutamine, which is neutral and polar, with proline, which is neutral and non-polar, at codon 831 of the ERBIN protein (p.Gln831Pro). This variant is present in population databases (rs143804809, gnomAD 0.03%). This variant has not been reported in the literature in individuals affected with ERBIN-related conditions. ClinVar contains an entry for this variant (Variation ID: 1392360). An algorithm developed to predict the effect of missense changes on protein structure and function (PolyPhen-2) suggests that this variant is likely to be tolerated. In summary, the available evidence is currently insufficient to determine the role of this variant in disease. Therefore, it has been classified as a Variant of Uncertain Significance.

CeGaT Center for Human Genetics Tuebingen
Classification: Likely benign. Last evaluated: 2025-03-01. Review status: criteria provided, single submitter. Criteria: CeGaT Center For Human Genetics Tuebingen Variant Classification Criteria Version 2. Collection method: clinical testing. Allele origin: germline. Affected: yes. Observed: 1 variant allele.
Comment: ERBIN: BP4